The following is an entry in ClinVar:

ClinVar aggregate classification (germline): Uncertain significance (1 of 4 stars; one submission).

Conditions:
Ataxia-telangiectasia syndrome (AT). Also called: Cerebello-oculocutaneous telangiectasia; Immunodeficiency with ataxia telangiectasia; Ataxia-telangiectasia, complementation group D; Ataxia telangiectasia (A-T); ATAXIA-TELANGIECTASIA, COMPLEMENTATION GROUP A; ATAXIA-TELANGIECTASIA, FRESNO VARIANT. Identifiers: Orphanet 100, MedGen C0004135, MONDO:0008840, OMIM 208900.

Submission:

Labcorp Genetics (formerly Invitae), Labcorp
Classification: Uncertain significance for Ataxia-telangiectasia syndrome. Last evaluated: 2022-10-13. Review status: criteria provided, single submitter. Criteria: Invitae Variant Classification Sherloc (09022015). Collection method: clinical testing. Allele origin: germline.
Comment: In summary, the available evidence is currently insufficient to determine the role of this variant in disease. Therefore, it has been classified as a Variant of Uncertain Significance. This variant disrupts the p.Leu615 amino acid residue in ATM. Other variant(s) that disrupt this residue have been determined to be pathogenic (PMID: 29368341, 30549301, 32901917; Invitae). This suggests that this residue is clinically significant, and that variants that disrupt this residue are likely to be disease-causing. Algorithms developed to predict the effect of missense changes on protein structure and function (SIFT, PolyPhen-2, Align-GVGD) all suggest that this variant is likely to be disruptive. This variant has not been reported in the literature in individuals affected with ATM-related conditions. This variant is not present in population databases (gnomAD no frequency). This sequence change replaces leucine, which is neutral and non-polar, with histidine, which is basic and polar, at codon 615 of the ATM protein (p.Leu615His).

Literature cited by the submitters: PubMed 29368341; PubMed 30549301; PubMed 32901917.

NM_000051.4(ATM):c.1844T>A (p.Leu615His)

Gene: ATM (ATM serine/threonine kinase; plus strand). Cytogenetic location: 11q22.3.
Variant type: single nucleotide variant.
Coding change: c.1844T>A on transcript NM_000051.4 (MANE Select); coding-DNA position 1844, T replaced by A.
Protein change: p.Leu615His; replaces leucine 615 with histidine.
Molecular consequence: missense variant.
Genome position (GRCh38, 1-based): chr11:108,252,858, T>A. VCF-style: chr11-108252858-T-A. GRCh37 (hg19) VCF-style: chr11-108123585-T-A.
Other names: c.1844T>A, p.Leu615His (NM_001351834.2); short protein forms L615H.
Identifiers: ClinVar variation 2133854 (VCV002133854.4), dbSNP rs786203783, ClinGen allele CA382535843.